The following is an entry in ClinVar:

NM_020822.3(KCNT1):c.3156+8G>A

Gene: KCNT1 (potassium sodium-activated channel subfamily T member 1; plus strand). Cytogenetic location: 9q34.3.
Variant type: single nucleotide variant.
Coding change: c.3156+8G>A on transcript NM_020822.3 (MANE Select); 8 bases into the intron after coding-DNA position 3156, G replaced by A.
Molecular consequence: intron variant.
Genome position (GRCh38, 1-based): chr9:135,784,897, G>A. VCF-style: chr9-135784897-G-A. GRCh37 (hg19) VCF-style: chr9-138676743-G-A.
Other names: c.3021+8G>A (NM_001272003.2).
Identifiers: ClinVar variation 810473 (VCV000810473.42), dbSNP rs764262230, ClinGen allele CA915947362.

ClinVar aggregate classification (germline): Uncertain significance (1 of 4 stars; one submission).

gnomAD v4.1: 1 of 1,611,400 alleles (0.000062%); highest among the groups gnomAD compares: Middle Eastern, 0.017%; no homozygotes.

Submission:

CeGaT Center for Human Genetics Tuebingen
Classification: Uncertain significance. Last evaluated: 2025-09-01. Review status: criteria provided, single submitter. Criteria: CeGaT Center For Human Genetics Tuebingen Variant Classification Criteria Version 2. Collection method: clinical testing. Allele origin: germline. Affected: yes. Observed: 3 variant alleles.
Comment: KCNT1: PM2, BP4